The following is an entry in ClinVar:

NM_003681.5(PDXK):c.*8G>A

Gene: PDXK (pyridoxal kinase; plus strand). Cytogenetic location: 21q22.3.
Variant type: single nucleotide variant.
Coding change: c.*8G>A on transcript NM_003681.5 (MANE Select); 8 bases downstream of the stop codon, G replaced by A.
Molecular consequence: 3 prime UTR variant.
Genome position (GRCh38, 1-based): chr21:43,756,071, G>A. VCF-style: chr21-43756071-G-A. GRCh37 (hg19) VCF-style: chr21-45175952-G-A.
Other names: c.*8G>A (NM_001331030.2).
Identifiers: ClinVar variation 3048934 (VCV003048934.2), dbSNP rs1047402, ClinGen allele CA10048825.

ClinVar aggregate classification (germline): Benign (0 of 4 stars; one submission).

Conditions:
PDXK-related disorder. Also called: PDXK-related condition.

Allele frequency attached by ClinVar (database versions not stated): TOPMed 0.00011; ESP Exome Variant Server 0.00015; gnomAD 0.00041; ExAC 0.00220; 1000 Genomes Project 30x 0.00265; 1000 Genomes Project 0.00280.
gnomAD v4.1: 1,292 of 1,551,610 alleles (0.083%); highest among the groups gnomAD compares: South Asian, 1.3%; 18 homozygotes.

Submission:

PreventionGenetics, part of Exact Sciences
Classification: Benign for PDXK-related condition. Last evaluated: 2019-11-16. Review status: no assertion criteria provided. Collection method: clinical testing. Allele origin: germline.
Comment: This variant is classified as benign based on ACMG/AMP sequence variant interpretation guidelines (Richards et al. 2015 PMID: 25741868, with internal and published modifications).